The following is an entry in ClinVar:

ClinVar aggregate classification (germline): Uncertain significance (1 of 4 stars; one submission).

gnomAD v4.1: 2 of 1,598,512 alleles (0.00013%); highest among the groups gnomAD compares: Non-Finnish European, 0.00017%; no homozygotes.

Submission:

Labcorp Genetics (formerly Invitae), Labcorp
Classification: Uncertain significance. Last evaluated: 2023-06-14. Review status: criteria provided, single submitter. Criteria: Invitae Variant Classification Sherloc (09022015). Collection method: clinical testing. Allele origin: germline.
Comment: In summary, the available evidence is currently insufficient to determine the role of this variant in disease. Therefore, it has been classified as a Variant of Uncertain Significance. Advanced modeling of protein sequence and biophysical properties (such as structural, functional, and spatial information, amino acid conservation, physicochemical variation, residue mobility, and thermodynamic stability) performed at Invitae indicates that this missense variant is not expected to disrupt GNB3 protein function. This variant has not been reported in the literature in individuals affected with GNB3-related conditions. This variant is not present in population databases (gnomAD no frequency). This sequence change replaces glycine, which is neutral and non-polar, with alanine, which is neutral and non-polar, at codon 330 of the GNB3 protein (p.Gly330Ala).

NM_002075.4(GNB3):c.989G>C (p.Gly330Ala)

Genes: CDCA3 (cell division cycle associated 3; minus strand), GNB3 (G protein subunit beta 3; plus strand). Cytogenetic location: 12p13.31.
Variant type: single nucleotide variant.
Coding change: c.989G>C on transcript NM_002075.4 (MANE Select); coding-DNA position 989, G replaced by C.
Protein change: p.Gly330Ala; replaces glycine 330 with alanine.
Molecular consequence: missense variant.
Genome position (GRCh38, 1-based): chr12:6,846,864, G>C. VCF-style: chr12-6846864-G-C. GRCh37 (hg19) VCF-style: chr12-6956028-G-C.
Other names: c.986G>C, p.Gly329Ala (NM_001297571.2); c.584C>G, p.Thr195Ser (NM_001297603.3); short protein forms G329A, T195S, G330A.
Identifiers: ClinVar variation 2853478 (VCV002853478.3), dbSNP rs781960283, ClinGen allele CA383676387.